The following is an entry in ClinVar:

NM_001104631.2(PDE4D):c.2133A>C (p.Thr711=)

Gene: PDE4D (phosphodiesterase 4D; minus strand). Cytogenetic location: 5q11.2.
Variant type: single nucleotide variant.
Coding change: c.2133A>C on transcript NM_001104631.2 (MANE Select); coding-DNA position 2133, A replaced by C.
Protein change: p.Thr711=; no amino-acid change (threonine 711 retained).
Molecular consequence: synonymous variant.
Genome position (GRCh38, 1-based): chr5:58,974,961, T>G on the plus strand (A>C on the coding strand, the complement: PDE4D is on the minus strand). VCF-style: chr5-58974961-T-G. GRCh37 (hg19) VCF-style: chr5-58270788-T-G.
Other names: c.2133A>C (NM_001104631.1); c.1950A>C, p.Thr650= (NM_001165899.2, NM_001364599.1); c.1941A>C, p.Thr647= (NM_001197218.2); c.1767A>C, p.Thr589= (NM_001197219.2); c.1743A>C, p.Thr581= (NM_001197220.2); c.1227A>C, p.Thr409= (NM_001197221.2, NM_001364603.1); c.1461A>C, p.Thr487= (NM_001197222.2); c.1260A>C, p.Thr420= (NM_001197223.2); and 4 more.
Identifiers: ClinVar variation 2920363 (VCV002920363.5), dbSNP rs187813449, ClinGen allele CA3275927.

ClinVar aggregate classification (germline): Benign. Review status: criteria provided, single submitter (1 of 4 stars). 2 submissions from 2 submitters: Benign (1). 1 of the submissions does not count toward it. Last evaluated 2025-02-26.

Conditions:
PDE4D-related disorder. Also called: PDE4D-related condition.

Allele frequency attached by ClinVar (database versions not stated): 1000 Genomes Project 30x 0.00031; TOPMed 0.00008; gnomAD 0.00023; 1000 Genomes Project 0.00040; ExAC 0.00055.
gnomAD v4.1: 412 of 1,613,466 alleles (0.026%); highest among the groups gnomAD compares: South Asian, 0.35%; 8 homozygotes.

Submissions (2):

Labcorp Genetics (formerly Invitae), Labcorp
Classification: Benign. Last evaluated: 2025-02-26. Review status: criteria provided, single submitter. Criteria: Invitae Variant Classification Sherloc (09022015). Collection method: clinical testing. Allele origin: germline.

PreventionGenetics, part of Exact Sciences
Classification: Likely benign for PDE4D-related condition. Last evaluated: 2024-03-20. Review status: no assertion criteria provided. Collection method: clinical testing. Allele origin: germline. Not counted in ClinVar's aggregate classification.
Comment: This variant is classified as likely benign based on ACMG/AMP sequence variant interpretation guidelines (Richards et al. 2015 PMID: 25741868, with internal and published modifications).